The following is an entry in ClinVar:

NM_012330.4(KAT6B):c.1247C>T (p.Thr416Ile)

Gene: KAT6B (lysine acetyltransferase 6B; plus strand). Cytogenetic location: 10q22.2.
Variant type: single nucleotide variant.
Coding change: c.1247C>T on transcript NM_012330.4 (MANE Select); coding-DNA position 1247, C replaced by T.
Protein change: p.Thr416Ile; replaces threonine 416 with isoleucine.
Molecular consequence: missense variant. On other transcripts: intron variant (11).
Genome position (GRCh38, 1-based): chr10:74,975,584, C>T. VCF-style: chr10-74975584-C-T. GRCh37 (hg19) VCF-style: chr10-76735342-C-T.
Other names: c.1247C>T, p.Thr416Ile (NM_001256468.2, NM_001370136.1, NM_001370137.1 and 1 more transcripts); c.1117+130C>T (NM_001370139.1, NM_001370140.1, NM_001370141.1 and 3 more transcripts); c.846+5809C>T (NM_001370133.1); c.193-3640C>T (NM_001370134.1); c.929-1732C>T (NM_001370143.1, NM_001370144.1); c.193-13435C>T (NM_001370135.1); short protein forms T416I.
Identifiers: ClinVar variation 2309651 (VCV002309651.3), dbSNP rs777567666, ClinGen allele CA5564380.

ClinVar aggregate classification (germline): Conflicting classifications of pathogenicity. Review status: criteria provided, conflicting classifications (1 of 4 stars). 2 submissions from 2 submitters: Uncertain significance (1); Likely benign (1). Last evaluated 2025-06-12.

Conditions:
Genitopatellar syndrome (GTPTS). Also called: Genitopatellar syndrome (GPS); ABSENT PATELLAE, SCROTAL HYPOPLASIA, RENAL ANOMALIES, FACIAL DYSMORPHISM, AND MENTAL RETARDATION. Identifiers: Orphanet 85201, MedGen C1853566, MONDO:0011640, OMIM 606170.
Inborn genetic diseases. Identifiers: MedGen C0950123, MeSH D030342.

Allele frequency attached by ClinVar (database versions not stated): TOPMed below 0.00001; ExAC 0.00001; gnomAD 0.00001.

Submissions (2):

Labcorp Genetics (formerly Invitae), Labcorp
Classification: Uncertain significance for Genitopatellar syndrome. Last evaluated: 2025-06-12. Review status: criteria provided, single submitter. Criteria: Invitae Variant Classification Sherloc (09022015). Collection method: clinical testing. Allele origin: germline.
Comment: This sequence change replaces threonine, which is neutral and polar, with isoleucine, which is neutral and non-polar, at codon 416 of the KAT6B protein (p.Thr416Ile). This variant is present in population databases (rs777567666, gnomAD 0.008%). This variant has not been reported in the literature in individuals affected with KAT6B-related conditions. ClinVar contains an entry for this variant (Variation ID: 2309651). An algorithm developed to predict the effect of missense changes on protein structure and function (PolyPhen-2) suggests that this variant is likely to be disruptive. In summary, the available evidence is currently insufficient to determine the role of this variant in disease. Therefore, it has been classified as a Variant of Uncertain Significance.

Ambry Genetics
Classification: Likely benign for Inborn genetic diseases. Last evaluated: 2022-08-30. Review status: criteria provided, single submitter. Criteria: Ambry Variant Classification Scheme 2023. Collection method: clinical testing. Allele origin: germline.